The following is an entry in ClinVar:

ClinVar aggregate classification (germline): Uncertain significance. Review status: criteria provided, multiple submitters, no conflicts (2 of 4 stars). 2 submissions from 2 submitters: Uncertain significance (2). Last evaluated 2025-02-12.

Allele frequency attached by ClinVar (database versions not stated): gnomAD exomes 0.00001 and 0.00002; ExAC 0.00003; gnomAD 0.00005 and 0.00006; TOPMed 0.00008.
gnomAD v4.1: 17 of 1,606,318 alleles (0.0011%); highest among the groups gnomAD compares: African/African-American, 0.015%; no homozygotes.

Submissions (2):

Labcorp Genetics (formerly Invitae), Labcorp
Classification: Uncertain significance. Last evaluated: 2025-02-12. Review status: criteria provided, single submitter. Criteria: Invitae Variant Classification Sherloc (09022015). Collection method: clinical testing. Allele origin: germline.
Comment: This sequence change replaces proline, which is neutral and non-polar, with leucine, which is neutral and non-polar, at codon 33 of the PLEKHM2 protein (p.Pro33Leu). This variant is present in population databases (rs760374432, gnomAD 0.03%). This variant has not been reported in the literature in individuals affected with PLEKHM2-related conditions. ClinVar contains an entry for this variant (Variation ID: 1496107). An algorithm developed to predict the effect of missense changes on protein structure and function (PolyPhen-2) suggests that this variant is likely to be disruptive. In summary, the available evidence is currently insufficient to determine the role of this variant in disease. Therefore, it has been classified as a Variant of Uncertain Significance.

Ambry Genetics
Classification: Uncertain significance. Last evaluated: 2023-10-24. Review status: criteria provided, single submitter. Criteria: Ambry Variant Classification Scheme 2023. Collection method: clinical testing. Allele origin: germline.

NM_015164.4(PLEKHM2):c.98C>T (p.Pro33Leu)

Gene: PLEKHM2 (pleckstrin homology and RUN domain containing M2; plus strand). Cytogenetic location: 1p36.21.
Variant type: single nucleotide variant.
Coding change: c.98C>T on transcript NM_015164.4 (MANE Select); coding-DNA position 98, C replaced by T.
Protein change: p.Pro33Leu; replaces proline 33 with leucine.
Molecular consequence: missense variant.
Genome position (GRCh38, 1-based): chr1:15,716,274, C>T. VCF-style: chr1-15716274-C-T. GRCh37 (hg19) VCF-style: chr1-16042769-C-T.
Other names: c.98C>T (NM_015164.2); short protein forms P33L.
Identifiers: ClinVar variation 1496107 (VCV001496107.9), dbSNP rs760374432, ClinGen allele CA616595.